The following is an entry in ClinVar:

NM_133433.4(NIPBL):c.43G>A (p.Gly15Arg)

Gene: NIPBL (NIPBL cohesin loading factor; plus strand). Cytogenetic location: 5p13.2.
Variant type: single nucleotide variant.
Coding change: c.43G>A on transcript NM_133433.4 (MANE Select); coding-DNA position 43, G replaced by A.
Protein change: p.Gly15Arg; replaces glycine 15 with arginine.
Molecular consequence: missense variant.
Genome position (GRCh38, 1-based): chr5:36,953,739, G>A. VCF-style: chr5-36953739-G-A. GRCh37 (hg19) VCF-style: chr5-36953841-G-A.
Other names: c.43G>A, p.Gly15Arg (NM_015384.5); short protein forms G15R.
Identifiers: ClinVar variation 3338842 (VCV003338842.3).

ClinVar aggregate classification (germline): Pathogenic/Likely pathogenic. Review status: criteria provided, multiple submitters, no conflicts (2 of 4 stars). 2 submissions from 2 submitters: Pathogenic (1); Likely pathogenic (1). Last evaluated 2025-03-26.

Conditions:
Cornelia de Lange syndrome 1 (CDLS1). Also called: TYPUS DEGENERATIVUS AMSTELODAMENSIS; NIPBL-Related Cornelia de Lange Syndrome; Brachmann de Lange syndrome. Identifiers: Orphanet 199, MedGen C4551851, MONDO:0007387, OMIM 122470.

Submissions (2):

Victorian Clinical Genetics Services, Murdoch Childrens Research Institute
Classification: Pathogenic for Cornelia de Lange syndrome 1. Last evaluated: 2025-03-26. Review status: criteria provided, single submitter. Criteria: ACMG Guidelines, 2015. Collection method: clinical testing. Allele origin: germline. Affected: yes.
Comment: This variant is classified as Pathogenic. Evidence in support of pathogenic classification: Variant is absent from gnomAD (v2, v3 and v4); This variant has limited previous evidence of pathogenicity in unrelated individual(s). This variant has been classified as likely pathogenic by a clinical laboratory in ClinVar, and reported in the literature in an individual with Cornelia de Lange syndrome (PMID: 21934712); This variant has moderate functional evidence supporting abnormal protein function. A quantitative mammalian two-hybrid interaction assay in HeLa cells showed p.(Gly15Arg) significantly reduced NIPBL-MAU2 heterodimer formation via interruption of the MAU2 interaction domain (PMID: 21934712); Another missense variant comparable to the one identified in this case has limited previous evidence for pathogenicity. p.(Gly15Arg) has been reported in the literature in a fetus with Cornelia de Lange syndrome (PMID: 24189319); Variant is located in the well-established functional MAU2 interaction domain (PMID: 21934712); Missense variant predicted to be damaging by in silico tool(s) or highly conserved with a major amino acid change; Additional information: Variant is predicted to result in a missense amino acid change from glycine to arginine; This variant is heterozygous; This gene is associated with autosomal dominant disease; No published segregation evidence has been identified for this variant; Loss of function is a known mechanism of disease in this gene and is associated with Cornelia de Lange syndrome 1 (MIM#122470).

GeneDx
Classification: Likely pathogenic. Last evaluated: 2024-03-05. Review status: criteria provided, single submitter. Criteria: GeneDx Variant Classification Process June 2021. Collection method: clinical testing. Allele origin: germline. Affected: yes.
Comment: Not observed at significant frequency in large population cohorts (gnomAD); In silico analysis supports that this missense variant does not alter protein structure/function; This variant is associated with the following publications: (PMID: 21934712, 32433956, 28167679, 28174417)

Literature cited by the submitters: PubMed 21934712 (cited by Victorian Clinical Genetics Services, Murdoch Childrens Research Institute); PubMed 24189319 (cited by Victorian Clinical Genetics Services, Murdoch Childrens Research Institute).